The following is an entry in ClinVar:

ClinVar aggregate classification (germline): Conflicting classifications of pathogenicity. Review status: criteria provided, conflicting classifications (1 of 4 stars). 3 submissions from 3 submitters: Uncertain significance (2); Benign (1). Last evaluated 2025-12-30.

Conditions:
Hereditary breast ovarian cancer syndrome. Also called: Hereditary breast and ovarian cancer; Breast and ovarian cancer; Hereditary breast and/or ovarian cancer syndrome; Hereditary breast and ovarian cancer syndrome; BRCA1- and BRCA2-Associated Hereditary Breast and Ovarian Cancer; Hereditary breast and ovarian cancer syndrome (HBOC). Identifiers: Orphanet 145, MedGen C0677776, MeSH D061325, MONDO:0003582. Disease mechanism: loss of function.
Hereditary cancer-predisposing syndrome. Also called: Tumor predisposition; Hereditary Cancer Syndrome; Neoplastic Syndromes, Hereditary; Hereditary neoplastic syndrome. Identifiers: Orphanet 140162, MedGen C0027672, MeSH D009386, MONDO:0015356.

Allele frequency attached by ClinVar (database versions not stated): gnomAD exomes below 0.00001.
gnomAD v4.1: 5 of 1,613,968 alleles (0.00031%); highest among the groups gnomAD compares: Non-Finnish European, 0.00042%; no homozygotes.

Submissions (3):

Labcorp Genetics (formerly Invitae), Labcorp
Classification: Uncertain significance for Hereditary breast ovarian cancer syndrome. Last evaluated: 2025-12-30. Review status: criteria provided, single submitter. Criteria: Invitae Variant Classification Sherloc (09022015). Collection method: clinical testing. Allele origin: germline.
Comment: This sequence change replaces asparagine, which is neutral and polar, with serine, which is neutral and polar, at codon 2814 of the BRCA2 protein (p.Asn2814Ser). This variant is not present in population databases (gnomAD no frequency). This variant has not been reported in the literature in individuals affected with BRCA2-related conditions. ClinVar contains an entry for this variant (Variation ID: 822423). Invitae Evidence Modeling of protein sequence and biophysical properties (such as structural, functional, and spatial information, amino acid conservation, physicochemical variation, residue mobility, and thermodynamic stability) indicates that this missense variant is not expected to disrupt BRCA2 protein function with a negative predictive value of 95%. In summary, the available evidence is currently insufficient to determine the role of this variant in disease. Therefore, it has been classified as a Variant of Uncertain Significance.

Ambry Genetics
Classification: Benign for Hereditary cancer-predisposing syndrome. Last evaluated: 2025-05-19. Review status: criteria provided, single submitter. Criteria: Ambry Variant Classification Scheme 2023. Collection method: clinical testing. Allele origin: germline.

Color Diagnostics, LLC DBA Color Health
Classification: Uncertain significance for Hereditary cancer-predisposing syndrome. Last evaluated: 2024-03-06. Review status: criteria provided, single submitter. Criteria: ACMG Guidelines, 2015. Collection method: clinical testing. Allele origin: germline.
Comment: This missense variant replaces asparagine with serine at codon 2814 of the BRCA2 protein. Computational prediction suggests that this variant may not impact protein structure and function (internally defined REVEL score threshold <= 0.5, PMID: 27666373). To our knowledge, functional studies have not been reported for this variant. This variant has not been reported in individuals affected with hereditary cancer in the literature. This variant has not been identified in the general population by the Genome Aggregation Database (gnomAD). The available evidence is insufficient to determine the role of this variant in disease conclusively. Therefore, this variant is classified as a Variant of Uncertain Significance.

NM_000059.4(BRCA2):c.8441A>G (p.Asn2814Ser)

Gene: BRCA2 (BRCA2 DNA repair associated; plus strand). Cytogenetic location: 13q13.1.
Variant type: single nucleotide variant.
Coding change: c.8441A>G on transcript NM_000059.4 (MANE Select); coding-DNA position 8441, A replaced by G.
Protein change: p.Asn2814Ser; replaces asparagine 2814 with serine.
Molecular consequence: missense variant.
Genome position (GRCh38, 1-based): chr13:32,370,511, A>G. VCF-style: chr13-32370511-A-G. GRCh37 (hg19) VCF-style: chr13-32944648-A-G.
Other names: short protein forms N2814S.
Identifiers: ClinVar variation 822423 (VCV000822423.15), dbSNP rs1593930427, ClinGen allele CA387752564.